The following is an entry in ClinVar:

NM_000350.3(ABCA4):c.3017G>A (p.Gly1006Asp)

Gene: ABCA4 (ATP binding cassette subfamily A member 4; minus strand). Cytogenetic location: 1p22.1.
Variant type: single nucleotide variant.
Coding change: c.3017G>A on transcript NM_000350.3 (MANE Select); coding-DNA position 3017, G replaced by A.
Protein change: p.Gly1006Asp; replaces glycine 1006 with aspartic acid.
Molecular consequence: missense variant.
Genome position (GRCh38, 1-based): chr1:94,044,646, C>T on the plus strand (G>A on the coding strand, the complement: ABCA4 is on the minus strand). VCF-style: chr1-94044646-C-T. GRCh37 (hg19) VCF-style: chr1-94510202-C-T.
Other names: c.2795G>A, p.Gly932Asp (NM_001425324.1); short protein forms G1006D, G932D.
Identifiers: ClinVar variation 867147 (VCV000867147.5), dbSNP rs1660620340, ClinGen allele CA341275087.
Genomic context (GRCh38, chr1:94,044,646, plus strand): 5'-GGCGGTCTCAGTTCCTGTGTCGCTTACTGGTGGAACAGGATGTTGTGCTGTGGACACATG[C>T]CAAGGCTCTGCCGGACTGCATCCAGGCTGGTTTCAATGTCCCTTCCCCCAACGAGCACAG-3'
Protein context (NP_000341.2, residues 996-1016): TSLDAVRQSL[Gly1006Asp]MCPQHNILFH

ClinVar aggregate classification (germline): Conflicting classifications of pathogenicity. Review status: criteria provided, conflicting classifications (1 of 4 stars). 3 submissions from 3 submitters: Likely pathogenic (2); Uncertain significance (1). Last evaluated 2020-01-01.

Conditions:
Age related macular degeneration 2. Also called: MACULAR DEGENERATION, SENILE; MACULOPATHY, AGE-RELATED, 2; MACULOPATHY, AGE-RELATED. Identifiers: MedGen C3495438, MONDO:0007932, OMIM 153800.
Retinitis pigmentosa 19 (RP19). Also called: ABCA4-Related Retinitis Pigmentosa. Identifiers: Orphanet 791, MedGen C1866422, MONDO:0011137, OMIM 601718.
Cone-rod dystrophy 3 (CORD3). Identifiers: Orphanet 1872, MedGen C1858806, MONDO:0011395, OMIM 604116.
Severe early-childhood-onset retinal dystrophy (STGD1). Also called: STGD; Stargardt macular dystrophy; Juvenile onset macular degeneration; Stargardt disease 1; MACULAR DYSTROPHY WITH FLECKS, TYPE 1. Identifiers: Orphanet 364055, Orphanet 827, MedGen C1855465, MeSH D000080362, MONDO:0009549, OMIM 248200.
Retinal dystrophy. Also called: Inherited retinal dystrophy. Identifiers: Orphanet 71862, MedGen C0854723, MeSH D058499, MONDO:0019118, HP:0000556.

Submissions (3):

Institute of Human Genetics, Univ. Regensburg, Univ. Regensburg
Classification: Likely pathogenic for Retinal dystrophy. Last evaluated: 2020-01-01. Review status: criteria provided, single submitter. Criteria: ACMG Guidelines, 2015. Collection method: clinical testing. Allele origin: germline. Affected: yes.

Blueprint Genetics
Classification: Uncertain significance. Last evaluated: 2019-04-24. Review status: criteria provided, single submitter. Criteria: ACMG Guidelines, 2015. Collection method: clinical testing. Allele origin: germline.

Juno Genomics, Hangzhou Juno Genomics, Inc
Classification: Likely pathogenic for Retinitis pigmentosa 19; Severe early-childhood-onset retinal dystrophy; Age related macular degeneration 2; Cone-rod dystrophy 3. Review status: criteria provided, single submitter. Criteria: ACMG Guidelines, 2015. Collection method: clinical testing. Allele origin: germline.
Comment: Absent from controls (or at extremely low frequency if recessive) in Genome Aggregation Database.;Multiple lines of computational evidence support a deleterious effect on the gene or gene product.;For recessive disorders, detected in trans with a pathogenic variant.

Literature cited by the submitters: PubMed 33129279 (cited by Institute of Human Genetics, Univ. Regensburg, Univ. Regensburg).